The following is an entry in ClinVar:

NM_000212.3(ITGB3):c.7G>C (p.Ala3Pro)

Genes: ITGB3 (integrin subunit beta 3; plus strand), LOC130061041 (ATAC-STARR-seq lymphoblastoid silent region 8624; plus strand). Cytogenetic location: 17q21.32.
Variant type: single nucleotide variant.
Coding change: c.7G>C on transcript NM_000212.3 (MANE Select); coding-DNA position 7, G replaced by C.
Protein change: p.Ala3Pro; replaces alanine 3 with proline.
Molecular consequence: missense variant.
Genome position (GRCh38, 1-based): chr17:47,253,868, G>C. VCF-style: chr17-47253868-G-C. GRCh37 (hg19) VCF-style: chr17-45331234-G-C.
Other names: short protein forms A3P.
Identifiers: ClinVar variation 3013639 (VCV003013639.3), dbSNP rs1337664600, ClinGen allele CA400028213.

ClinVar aggregate classification (germline): Uncertain significance (1 of 4 stars; one submission).

Allele frequency attached by ClinVar (database versions not stated): gnomAD exomes 0.00001; TOPMed 0.00001.
gnomAD v4.1: 9 of 1,240,838 alleles (0.00073%); highest among the groups gnomAD compares: Non-Finnish European, 0.00091%; no homozygotes.

Submission:

Labcorp Genetics (formerly Invitae), Labcorp
Classification: Uncertain significance. Last evaluated: 2025-06-25. Review status: criteria provided, single submitter. Criteria: Invitae Variant Classification Sherloc (09022015). Collection method: clinical testing. Allele origin: germline.
Comment: This sequence change replaces alanine, which is neutral and non-polar, with proline, which is neutral and non-polar, at codon 3 of the ITGB3 protein (p.Ala3Pro). This variant is not present in population databases (gnomAD no frequency). This variant has not been reported in the literature in individuals affected with ITGB3-related conditions. ClinVar contains an entry for this variant (Variation ID: 3013639). Invitae Evidence Modeling of protein sequence and biophysical properties (such as structural, functional, and spatial information, amino acid conservation, physicochemical variation, residue mobility, and thermodynamic stability) indicates that this missense variant is not expected to disrupt ITGB3 protein function with a negative predictive value of 95%. In summary, the available evidence is currently insufficient to determine the role of this variant in disease. Therefore, it has been classified as a Variant of Uncertain Significance.